The following is an entry in ClinVar:

NM_000051.4(ATM):c.2928G>A (p.Val976=)

Gene: ATM (ATM serine/threonine kinase; plus strand). Cytogenetic location: 11q22.3.
Variant type: single nucleotide variant.
Coding change: c.2928G>A on transcript NM_000051.4 (MANE Select); coding-DNA position 2928, G replaced by A.
Protein change: p.Val976=; no amino-acid change (valine 976 retained).
Molecular consequence: synonymous variant.
Genome position (GRCh38, 1-based): chr11:108,271,257, G>A. VCF-style: chr11-108271257-G-A. GRCh37 (hg19) VCF-style: chr11-108141984-G-A.
Other names: c.2928G>A, p.Val976= (NM_001351834.2).
Identifiers: ClinVar variation 795019 (VCV000795019.10), dbSNP rs1591603577, ClinGen allele CA476674258.

ClinVar aggregate classification (germline): Benign/Likely benign. Review status: criteria provided, multiple submitters, no conflicts (2 of 4 stars). 3 submissions from 3 submitters: Benign (1); Likely benign (2). Last evaluated 2025-11-26.

Conditions:
Hereditary cancer-predisposing syndrome. Also called: Neoplastic Syndromes, Hereditary; Hereditary Cancer Syndrome; Tumor predisposition; Hereditary neoplastic syndrome. Identifiers: Orphanet 140162, MedGen C0027672, MeSH D009386, MONDO:0015356.
Familial cancer of breast. Also called: BREAST CANCER, FAMILIAL; Hereditary breast cancer; hereditary breast carcinoma. Identifiers: Orphanet 227535, MedGen C0346153, MONDO:0016419, OMIM 114480. Disease mechanism: loss of function.
Ataxia-telangiectasia syndrome (AT). Also called: Ataxia-telangiectasia, complementation group E; Ataxia-telangiectasia, complementation group D; Ataxia telangiectasia (A-T); LOUIS-BAR SYNDROME; ATAXIA-TELANGIECTASIA, COMPLEMENTATION GROUP A; ATAXIA-TELANGIECTASIA, FRESNO VARIANT. Identifiers: Orphanet 100, MedGen C0004135, MONDO:0008840, OMIM 208900.

Submissions (3):

Labcorp Genetics (formerly Invitae), Labcorp
Classification: Likely benign for Ataxia-telangiectasia syndrome. Last evaluated: 2025-11-26. Review status: criteria provided, single submitter. Criteria: Invitae Variant Classification Sherloc (09022015). Collection method: clinical testing. Allele origin: germline.

Ambry Genetics
Classification: Likely benign for Hereditary cancer-predisposing syndrome. Last evaluated: 2024-06-08. Review status: criteria provided, single submitter. Criteria: Ambry Variant Classification Scheme 2023. Collection method: clinical testing. Allele origin: germline.

Myriad Genetics, Inc.
Classification: Benign for Familial cancer of breast. Last evaluated: 2024-05-10. Review status: criteria provided, single submitter. Criteria: Myriad Autosomal Dominant, Autosomal Recessive and X-Linked Classification Criteria (2023). Collection method: clinical testing. Allele origin: unknown.
Comment: This variant is considered benign. This variant is a silent/synonymous amino acid change and it is not expected to impact splicing.